The following is an entry in ClinVar:

ClinVar aggregate classification (germline): Uncertain significance (1 of 4 stars; one submission).

Conditions:
Inborn genetic diseases. Identifiers: MedGen C0950123, MeSH D030342.

gnomAD v4.1: 4 of 1,613,364 alleles (0.00025%); highest among the groups gnomAD compares: South Asian, 0.0044%; no homozygotes.

Submission:

Ambry Genetics
Classification: Uncertain significance for Inborn genetic diseases. Last evaluated: 2023-05-06. Review status: criteria provided, single submitter. Criteria: Ambry Variant Classification Scheme 2023. Collection method: clinical testing. Allele origin: germline.
Comment: The p.T496I variant (also known as c.1487C>T), located in coding exon 13 of the LRRK2 gene, results from a C to T substitution at nucleotide position 1487. The threonine at codon 496 is replaced by isoleucine, an amino acid with similar properties. This amino acid position is conserved. In addition, this alteration is predicted to be tolerated by in silico analysis. Since supporting evidence is limited at this time, the clinical significance of this alteration remains unclear.

NM_198578.4(LRRK2):c.1487C>T (p.Thr496Ile)

Gene: LRRK2 (leucine rich repeat kinase 2; plus strand). Cytogenetic location: 12q12.
Variant type: single nucleotide variant.
Coding change: c.1487C>T on transcript NM_198578.4 (MANE Select); coding-DNA position 1487, C replaced by T.
Protein change: p.Thr496Ile; replaces threonine 496 with isoleucine.
Molecular consequence: missense variant.
Genome position (GRCh38, 1-based): chr12:40,259,548, C>T. VCF-style: chr12-40259548-C-T. GRCh37 (hg19) VCF-style: chr12-40653350-C-T.
Other names: short protein forms T496I.
Identifiers: ClinVar variation 2561240 (VCV002561240.2), dbSNP rs2499550587, ClinGen allele CA384411536.